The following is an entry in ClinVar:

ClinVar aggregate classification (germline): Likely pathogenic (1 of 4 stars; one submission).

Conditions:
Primary ciliary dyskinesia. Also called: Ciliary dyskinesia. Identifiers: Orphanet 244, MedGen C0008780, MONDO:0016575, HP:0012265.

Submission:

Labcorp Genetics (formerly Invitae), Labcorp
Classification: Likely pathogenic for Primary ciliary dyskinesia. Last evaluated: 2024-03-04. Review status: criteria provided, single submitter. Criteria: Invitae Variant Classification Sherloc (09022015). Collection method: clinical testing. Allele origin: germline.
Comment: This variant results in the deletion of part of exon 10 (c.1212-17_1250del) of the DNAI2 gene. It is expected to disrupt RNA splicing. Variants that disrupt the donor or acceptor splice site typically lead to a loss of protein function (PMID: 16199547), and loss-of-function variants in DNAI2 are known to be pathogenic (PMID: 18950741, 23891469). This variant is not present in population databases (gnomAD no frequency). This variant has not been reported in the literature in individuals affected with DNAI2-related conditions. In summary, the currently available evidence indicates that the variant is pathogenic, but additional data are needed to prove that conclusively. Therefore, this variant has been classified as Likely Pathogenic.

Literature cited by the submitters: PubMed 16199547; PubMed 18950741; PubMed 23891469.

NM_023036.6(DNAI2):c.1212-17_1250del

Gene: DNAI2 (dynein axonemal intermediate chain 2; plus strand). Cytogenetic location: 17q25.1.
Variant type: Deletion.
Coding change: c.1212-17_1250del on transcript NM_023036.6 (MANE Select); 17 bases into the intron before coding-DNA position 1212 through coding-DNA position 1250, 56 bases deleted.
Molecular consequence: splice acceptor variant.
Genome position (GRCh38, 1-based): chr17:74,309,236-74,309,291, 56 bases deleted. GRCh37 (hg19): chr17:72,305,375-72,305,430.
Other names: c.1212-17_1250del (NM_001353167.2, NM_001172810.3).
Identifiers: ClinVar variation 3644522 (VCV003644522.2).